The following is an entry in ClinVar:

ClinVar aggregate classification (germline): Benign/Likely benign. Review status: criteria provided, multiple submitters, no conflicts (2 of 4 stars). 3 submissions from 3 submitters: Benign (1); Likely benign (2). Last evaluated 2025-06-16.

Conditions:
Creatine transporter deficiency (CCDS1). Also called: CEREBRAL CREATINE DEFICIENCY SYNDROME 1; SLC6A8-Related Creatine Transporter Deficiency; CREATINE TRANSPORTER DEFECT; Mental retardation , X-linked with seizures, short stature and midface hypoplasia; Mental retardation , X-linked, with creatine transport deficiency; X-linked creatine transporter deficiency. Identifiers: Orphanet 52503, MedGen C1845862, MONDO:0010305, OMIM 300352.

Allele frequency attached by ClinVar (database versions not stated): ExAC below 0.00001; gnomAD 0.00002; gnomAD exomes 0.00002; TOPMed 0.00002.
gnomAD v4.1: 31 of 1,208,290 alleles (0.0026%); highest among the groups gnomAD compares: South Asian, 0.0035%; no homozygotes.

Submissions (3):

Labcorp Genetics (formerly Invitae), Labcorp
Classification: Benign for Creatine transporter deficiency. Last evaluated: 2025-06-16. Review status: criteria provided, single submitter. Criteria: Invitae Variant Classification Sherloc (09022015). Collection method: clinical testing. Allele origin: germline.

CeGaT Center for Human Genetics Tuebingen
Classification: Likely benign. Last evaluated: 2024-12-01. Review status: criteria provided, single submitter. Criteria: CeGaT Center For Human Genetics Tuebingen Variant Classification Criteria Version 2. Collection method: clinical testing. Allele origin: germline. Affected: yes. Observed: 1 variant allele.
Comment: SLC6A8: BP4, BP7, BS2

GeneDx
Classification: Likely benign. Last evaluated: 2019-12-12. Review status: criteria provided, single submitter. Criteria: GeneDx Variant Classification Process June 2021. Collection method: clinical testing. Allele origin: germline. Affected: yes.

NM_005629.4(SLC6A8):c.1395C>T (p.Gly465=)

Gene: SLC6A8 (solute carrier family 6 member 8; plus strand). Cytogenetic location: Xq28.
Variant type: single nucleotide variant.
Coding change: c.1395C>T on transcript NM_005629.4 (MANE Select); coding-DNA position 1395, C replaced by T.
Protein change: p.Gly465=; no amino-acid change (glycine 465 retained).
Molecular consequence: synonymous variant.
Genome position (GRCh38, 1-based): chrX:153,694,346, C>T. VCF-style: chrX-153694346-C-T. GRCh37 (hg19) VCF-style: chrX-152959801-C-T.
Other names: c.1365C>T, p.Gly455= (NM_001142805.2); c.1050C>T, p.Gly350= (NM_001142806.1).
Identifiers: ClinVar variation 699044 (VCV000699044.26), dbSNP rs782302903, ClinGen allele CA10549515.